The following is an entry in ClinVar:

NM_003742.4(ABCB11):c.-28+581C>T

Gene: ABCB11 (ATP binding cassette subfamily B member 11; minus strand). Cytogenetic location: 2q31.1.
Variant type: single nucleotide variant.
Coding change: c.-28+581C>T on transcript NM_003742.4 (MANE Select); 581 bases into the intron after 28 bases upstream of the start codon, C replaced by T.
Molecular consequence: intron variant.
Genome position (GRCh38, 1-based): chr2:169,030,644, G>A on the plus strand (C>T on the coding strand, the complement: ABCB11 is on the minus strand). VCF-style: chr2-169030644-G-A. GRCh37 (hg19) VCF-style: chr2-169887154-G-A.
Identifiers: ClinVar variation 4846683 (VCV004846683.1).

ClinVar aggregate classification (germline): Benign (1 of 4 stars; one submission).

Conditions:
Familial intrahepatic cholestasis. Identifiers: Orphanet 284385, MedGen CN296401, MONDO:0017290.

gnomAD v4.1: 12,516 of 152,096 alleles (8.2%); highest among the groups gnomAD compares: East Asian, 20%; 567 homozygotes.

Submission:

Genomenon, Inc
Classification: Benign for Familial intrahepatic cholestasis. Last evaluated: 2026-04-14. Review status: criteria provided, single submitter. Criteria: Genomenon Sequence Variant Interpretation Standards - Updated. Collection method: curation. Allele origin: germline. Affected: no.
Comment: ABCB11 c.-28+581C>T is a deep intronic variant located in the 5′ untranslated region (5′ UTR). This variant is present at high allele frequency in population databases. In conclusion, we classify ABCB11 c.-28+581C>T as a benign variant.